The following is an entry in ClinVar:

ClinVar aggregate classification (germline): Benign (0 of 4 stars; one submission).

Conditions:
SHROOM4-related disorder. Also called: SHROOM4-related condition.

Allele frequency attached by ClinVar (database versions not stated): ESP Exome Variant Server 0.00009; TOPMed 0.00021; gnomAD 0.00025; gnomAD exomes 0.00045; 1000 Genomes Project 30x 0.00062; 1000 Genomes Project 0.00079; ExAC 0.00115.
gnomAD v4.1: 523 of 1,203,911 alleles (0.043%); highest among the groups gnomAD compares: Middle Eastern, 0.62%; 2 homozygotes.

Submission:

PreventionGenetics, part of Exact Sciences
Classification: Benign for SHROOM4-related condition. Last evaluated: 2019-05-10. Review status: no assertion criteria provided. Collection method: clinical testing. Allele origin: germline.
Comment: This variant is classified as benign based on ACMG/AMP sequence variant interpretation guidelines (Richards et al. 2015 PMID: 25741868, with internal and published modifications).

NM_020717.5(SHROOM4):c.689G>A (p.Arg230Gln)

Gene: SHROOM4 (shroom family member 4; minus strand). Cytogenetic location: Xp11.22.
Variant type: single nucleotide variant.
Coding change: c.689G>A on transcript NM_020717.5 (MANE Select); coding-DNA position 689, G replaced by A.
Protein change: p.Arg230Gln; replaces arginine 230 with glutamine.
Molecular consequence: missense variant. On other transcripts: non-coding transcript variant (4).
Genome position (GRCh38, 1-based): chrX:50,635,384, C>T on the plus strand (G>A on the coding strand, the complement: SHROOM4 is on the minus strand). VCF-style: chrX-50635384-C-T. GRCh37 (hg19) VCF-style: chrX-50378384-C-T.
Other names: short protein forms R230Q.
Identifiers: ClinVar variation 3041690 (VCV003041690.2), dbSNP rs200540216, ClinGen allele CA10416330.